The following is an entry in ClinVar:

NM_007294.4(BRCA1):c.4567C>G (p.Pro1523Ala)

Gene: BRCA1 (BRCA1 DNA repair associated; minus strand). Cytogenetic location: 17q21.31.
Variant type: single nucleotide variant.
Coding change: c.4567C>G on transcript NM_007294.4 (MANE Select); coding-DNA position 4567, C replaced by G.
Protein change: p.Pro1523Ala; replaces proline 1523 with alanine.
Molecular consequence: missense variant. On other transcripts: non-coding transcript variant (1).
Genome position (GRCh38, 1-based): chr17:43,074,439, G>C on the plus strand (C>G on the coding strand, the complement: BRCA1 is on the minus strand). VCF-style: chr17-43074439-G-C. GRCh37 (hg19) VCF-style: chr17-41226456-G-C.
Other names: c.4354C>G, p.Pro1452Ala (NM_001407571.1, NM_001407894.1, NM_001407895.1 and 12 more transcripts); c.4633C>G, p.Pro1545Ala (NM_001407581.1, NM_001407582.1); c.4630C>G, p.Pro1544Ala (NM_001407583.1, NM_001407585.1, NM_001407587.1 and 1 more transcripts); c.4627C>G, p.Pro1543Ala (NM_001407590.1, NM_001407591.1); c.4567C>G, p.Pro1523Ala (NM_001407593.1, NM_001407594.1, NM_001407596.1 and 8 more transcripts); c.4564C>G, p.Pro1522Ala (NM_001407610.1, NM_001407611.1, NM_001407612.1 and 17 more transcripts); c.4561C>G, p.Pro1521Ala (NM_001407627.1, NM_001407628.1, NM_001407629.1 and 14 more transcripts); c.4558C>G, p.Pro1520Ala (NM_001407644.1, NM_001407645.1); and 68 more; short protein forms P1523A, P1476A, P1544A, P419A, P1226A, P1410A, P1412A, P1456A.
Identifiers: ClinVar variation 646371 (VCV000646371.10), dbSNP rs1390166929, ClinGen allele CA10592380.

ClinVar aggregate classification (germline): Uncertain significance (1 of 4 stars; one submission).

Conditions:
Hereditary breast ovarian cancer syndrome. Also called: Hereditary breast and ovarian cancer; Hereditary breast and ovarian cancer syndrome; BRCA1- and BRCA2-Associated Hereditary Breast and Ovarian Cancer; Hereditary breast and ovarian cancer syndrome (HBOC); Breast and ovarian cancer; Hereditary breast and/or ovarian cancer syndrome. Identifiers: Orphanet 145, MedGen C0677776, MeSH D061325, MONDO:0003582. Disease mechanism: loss of function.

gnomAD v4.1: 1 of 1,614,098 alleles (0.000062%); highest among the groups gnomAD compares: Non-Finnish European, 0.000085%; no homozygotes.

Submission:

Labcorp Genetics (formerly Invitae), Labcorp
Classification: Uncertain significance for Hereditary breast ovarian cancer syndrome. Last evaluated: 2018-11-01. Review status: criteria provided, single submitter. Criteria: Invitae Variant Classification Sherloc (09022015). Collection method: clinical testing. Allele origin: germline.
Comment: In summary, the available evidence is currently insufficient to determine the role of this variant in disease. Therefore, it has been classified as a Variant of Uncertain Significance. Algorithms developed to predict the effect of missense changes on protein structure and function (SIFT, PolyPhen-2, Align-GVGD) all suggest that this variant is likely to be tolerated, but these predictions have not been confirmed by published functional studies and their clinical significance is uncertain. This variant has not been reported in the literature in individuals with BRCA1-related disease. This variant is not present in population databases (ExAC no frequency). This sequence change replaces proline with alanine at codon 1523 of the BRCA1 protein (p.Pro1523Ala). The proline residue is moderately conserved and there is a small physicochemical difference between proline and alanine.